The following is an entry in ClinVar:

NM_014679.5(CEP57):c.382+2T>C

Gene: CEP57 (centrosomal protein 57; plus strand). Cytogenetic location: 11q21.
Variant type: single nucleotide variant.
Coding change: c.382+2T>C on transcript NM_014679.5 (MANE Select); the canonical splice donor site of the intron after coding-DNA position 382, T replaced by C.
Molecular consequence: splice donor variant.
Genome position (GRCh38, 1-based): chr11:95,813,113, T>C. VCF-style: chr11-95813113-T-C. GRCh37 (hg19) VCF-style: chr11-95546277-T-C.
Other names: c.301+2T>C (NM_001363604.2); c.355+2T>C (NM_001243776.2); c.382+2T>C (NM_001243777.2).
Identifiers: ClinVar variation 977798 (VCV000977798.3), dbSNP rs1862141371, ClinGen allele CA382421295.
Genomic context (GRCh38, chr11:95,813,113, plus strand): 5'-GGATGAACAGATACAAGAAAGGGAGAATTCAAAGAATGAGGAATCAAAGCACAATCAAGG[T>C]TTGTTGATGAAGAAAATTAAAATTCTATCAAAATAAGTGTTGTGCAGTATTAAGTATTCT-3'

ClinVar aggregate classification (germline): Pathogenic (1 of 4 stars; one submission).

Conditions:
Mosaic variegated aneuploidy syndrome 2 (MVA2). Identifiers: Orphanet 1052, MedGen C3279843, MONDO:0013582, OMIM 614114.

Submission:

Division of Medical Genetics, Department of Pediatrics, All India Institute of Medical Sciences, New Delhi
Classification: Pathogenic for Mosaic variegated aneuploidy syndrome 2. Last evaluated: 2020-08-21. Review status: criteria provided, single submitter. Criteria: ACMG Guidelines, 2015. Collection method: research. Allele origin: germline. Inheritance: Autosomal recessive inheritance. Affected: yes. Observed: 1 homozygote.
Comment: Pathogenic variants in CEP57 are known to cause rare autosomal recessive mosaic variegated aneuploidy syndrome 2 (MVA2). The homozygous 5' splice site variation, c.382+2T>C, in intron 3 is the first identified splice site variant in CEP57. This variant affects the invariant GT donor splice site of exon 3. The variant has not been reported in the 1000 genomes and ExAC. The in silico prediction of the variant is damaging by MutationTaster2. The reference base is conserved across species.